The following is an entry in ClinVar:

NM_006218.4(PIK3CA):c.2016-3T>C

Gene: PIK3CA (phosphatidylinositol-4,5-bisphosphate 3-kinase catalytic subunit alpha; plus strand). Cytogenetic location: 3q26.32.
Variant type: single nucleotide variant.
Coding change: c.2016-3T>C on transcript NM_006218.4 (MANE Select); 3 bases into the intron before coding-DNA position 2016, T replaced by C.
Molecular consequence: intron variant.
Genome position (GRCh38, 1-based): chr3:179,220,983, T>C. VCF-style: chr3-179220983-T-C. GRCh37 (hg19) VCF-style: chr3-178938771-T-C.
Other names: c.2016-3T>C (LRG_310t1).
Identifiers: ClinVar variation 246682 (VCV000246682.7), dbSNP rs879254354, ClinGen allele CA10584686.

ClinVar aggregate classification (germline): Uncertain significance (1 of 4 stars; one submission).

Conditions:
Cowden syndrome (CS). Also called: Cowden's disease; Cowden's syndrome; Cowden disease. Identifiers: Orphanet 201, MedGen C0018553, MONDO:0016063. Disease mechanism: gain of function.

Allele frequency attached by ClinVar (database versions not stated): TOPMed below 0.00001; gnomAD 0.00001; gnomAD exomes 0.00001.
gnomAD v4.1: 13 of 1,596,608 alleles (0.00081%); highest among the groups gnomAD compares: African/African-American, 0.0014%; no homozygotes.

Submission:

Labcorp Genetics (formerly Invitae), Labcorp
Classification: Uncertain significance for Cowden syndrome. Last evaluated: 2022-02-18. Review status: criteria provided, single submitter. Criteria: Invitae Variant Classification Sherloc (09022015). Collection method: clinical testing. Allele origin: germline.
Comment: This sequence change falls in intron 13 of the PIK3CA gene. It does not directly change the encoded amino acid sequence of the PIK3CA protein. It affects a nucleotide within the consensus splice site. This variant is present in population databases (no rsID available, gnomAD 0.01%). This variant has not been reported in the literature in individuals affected with PIK3CA-related conditions. ClinVar contains an entry for this variant (Variation ID: 246682). Variants that disrupt the consensus splice site are a relatively common cause of aberrant splicing (PMID: 17576681, 9536098). Algorithms developed to predict the effect of sequence changes on RNA splicing suggest that this variant is not likely to affect RNA splicing. In summary, the available evidence is currently insufficient to determine the role of this variant in disease. Therefore, it has been classified as a Variant of Uncertain Significance.

Literature cited by the submitters: PubMed 17576681; PubMed 9536098.